The following is an entry in ClinVar:

NM_000370.3(TTPA):c.218_219dup (p.Tyr74fs)

Gene: TTPA (alpha tocopherol transfer protein; minus strand). Cytogenetic location: 8q12.3.
Variant type: Duplication.
Coding change: c.218_219dup on transcript NM_000370.3 (MANE Select); coding-DNA positions 218 to 219, 2 bases duplicated (AT; older notation c.218_219dupAT).
Protein change: p.Tyr74fs; shifts the reading frame from tyrosine 74.
Molecular consequence: frameshift variant.
Genome position (GRCh38, 1-based): chr8:63,073,074-63,073,075, AT duplicated on the plus strand (AT on the coding strand, the reverse complement: TTPA is on the minus strand); duplicating any 2 consecutive bases within chr8:63,073,074-63,073,076 gives the same sequence; the c. name uses the placement nearest the transcript's 3' end. VCF-style (leftmost placement, unchanged base first): chr8-63073073-A-AAT. GRCh37 (hg19) VCF-style: chr8-63985632-A-AAT.
Other names: c.218_219dupAT (NM_000370.3); short protein forms Y74fs.
Identifiers: ClinVar variation 1459425 (VCV001459425.12), dbSNP rs766675875, ClinGen allele CA4763296.

ClinVar aggregate classification (germline): Pathogenic. Review status: criteria provided, multiple submitters, no conflicts (2 of 4 stars). 2 submissions from 2 submitters: Pathogenic (2). Last evaluated 2025-05-29.

Conditions:
Familial isolated deficiency of vitamin E (AVED). Also called: Ataxia with isolated vitamin E deficiency; ATAXIA, FRIEDREICH-LIKE, WITH SELECTIVE VITAMIN E DEFICIENCY. Identifiers: Orphanet 96, MedGen C1848533, MONDO:0010188, OMIM 277460.

Submissions (2):

Natera, Inc.
Classification: Pathogenic for Ataxia with isolated vitamin E deficiency. Last evaluated: 2025-05-29. Review status: criteria provided, single submitter. Criteria: Natera Variant Classification Schema (03/2026). Collection method: clinical testing. Allele origin: germline.
Comment: The c.218_219dupAT variant in TTPA is a frameshift variant predicted to shift the reading frame beginning at codon 74 and leads to a stop codon 11 codons downstream. This variant is expected to result in nonsense mediated decay, truncation, or a dysfunctional protein product. This variant is rare in the general population with a frequency below the threshold expected for the associated phenotype(s). This variant has been observed in one or more individuals affected with the associated recessive disease, as either homozygous or compound heterozygous with a second variant (PMID: 15300460). Given the available evidence, this variant is classified as Pathogenic.

Labcorp Genetics (formerly Invitae), Labcorp
Classification: Pathogenic. Last evaluated: 2024-02-14. Review status: criteria provided, single submitter. Criteria: Invitae Variant Classification Sherloc (09022015). Collection method: clinical testing. Allele origin: germline.
Comment: This sequence change creates a premature translational stop signal (p.Tyr74Ilefs*11) in the TTPA gene. It is expected to result in an absent or disrupted protein product. Loss-of-function variants in TTPA are known to be pathogenic (PMID: 9463307, 26068213). This variant is present in population databases (rs766675875, gnomAD 0.0009%). This premature translational stop signal has been observed in individual(s) with ataxia with vitamin E deficiency (PMID: 15300460). This variant is also known as 219insAT. ClinVar contains an entry for this variant (Variation ID: 1459425). For these reasons, this variant has been classified as Pathogenic.

Literature cited by the submitters: PubMed 15300460 (cited by Natera, Inc. and Labcorp Genetics (formerly Invitae), Labcorp); PubMed 9463307 (cited by Labcorp Genetics (formerly Invitae), Labcorp); PubMed 26068213 (cited by Labcorp Genetics (formerly Invitae), Labcorp).